The following is an entry in ClinVar:

NM_138711.6(PPARG):c.703T>C (p.Leu235=)

Genes: PPARG (peroxisome proliferator activated receptor gamma; plus strand), LOC114803475 (PPARG eExon liver enhancer; plus strand). Cytogenetic location: 3p25.2.
Variant type: single nucleotide variant.
Coding change: c.703T>C on transcript NM_138711.6 (MANE Select); coding-DNA position 703, T replaced by C.
Protein change: p.Leu235=; no amino-acid change (leucine 235 retained).
Molecular consequence: synonymous variant. On other transcripts: intron variant (2).
Genome position (GRCh38, 1-based): chr3:12,406,055, T>C. VCF-style: chr3-12406055-T-C. GRCh37 (hg19) VCF-style: chr3-12447554-T-C.
Other names: c.703T>C, p.Leu235= (NM_001330615.4, NM_001354666.3, NM_001354667.3 and 6 more transcripts); c.793T>C, p.Leu265= (NM_001354668.2, NM_001374265.1, NM_015869.5); c.709T>C, p.Leu237= (NM_001354670.2); c.103-10649T>C (NM_001354669.2); c.653+56T>C (NM_001374266.1).
Identifiers: ClinVar variation 5000318 (VCV005000318.1).

ClinVar aggregate classification (germline): Likely benign (1 of 4 stars; one submission).

Conditions:
PPARG-related disorder. Also called: PPARG-related disorders; PPARG-related condition.

Submission:

PreventionGenetics, part of Exact Sciences
Classification: Likely benign for PPARG-related condition. Last evaluated: 2026-05-19. Review status: criteria provided, single submitter. Criteria: ACMG Guidelines, 2015. Collection method: clinical testing. Allele origin: germline.
Comment: This variant is classified as likely benign based on ACMG/AMP sequence variant interpretation guidelines (Richards et al. 2015 PMID: 25741868, with internal and published modifications).